The following is an entry in ClinVar:

ClinVar aggregate classification (germline): Benign/Likely benign. Review status: criteria provided, multiple submitters, no conflicts (2 of 4 stars). 4 submissions from 4 submitters: Benign (1); Likely benign (3). Last evaluated 2026-01-06.

Conditions:
Peutz-Jeghers syndrome (PJS). Also called: Peutz-Jeghers polyposis; Periorificial lentiginosis syndrome; POLYPOSIS, HAMARTOMATOUS INTESTINAL; POLYPS-AND-SPOTS SYNDROME. Identifiers: Orphanet 2869, MedGen C0031269, MeSH D010580, MONDO:0008280, OMIM 175200.
Hereditary cancer-predisposing syndrome. Also called: Hereditary Cancer Syndrome; Neoplastic Syndromes, Hereditary; Hereditary neoplastic syndrome; Tumor predisposition. Identifiers: Orphanet 140162, MedGen C0027672, MeSH D009386, MONDO:0015356.

Allele frequency attached by ClinVar (database versions not stated): gnomAD exomes below 0.00001.
gnomAD v4.1: 2 of 1,613,918 alleles (0.00012%); highest among the groups gnomAD compares: African/African-American, 0.0013%; no homozygotes.

Submissions (4):

Labcorp Genetics (formerly Invitae), Labcorp
Classification: Likely benign for Peutz-Jeghers syndrome. Last evaluated: 2026-01-06. Review status: criteria provided, single submitter. Criteria: Invitae Variant Classification Sherloc (09022015). Collection method: clinical testing. Allele origin: germline.

Myriad Genetics, Inc.
Classification: Benign for Peutz-Jeghers syndrome. Last evaluated: 2025-03-25. Review status: criteria provided, single submitter. Criteria: Myriad Autosomal Dominant, Autosomal Recessive and X-Linked Classification Criteria (2023). Collection method: clinical testing. Allele origin: unknown.
Comment: This variant is considered benign. This variant is a silent/synonymous amino acid change and it is not expected to impact splicing.

All of Us Research Program, National Institutes of Health
Classification: Likely benign for Peutz-Jeghers syndrome. Last evaluated: 2024-02-05. Review status: criteria provided, single submitter. Criteria: ACMG Guidelines, 2015. Collection method: clinical testing. Allele origin: germline. Inheritance: Autosomal dominant inheritance. Observed: 1 variant allele, 1 heterozygote.
Comment: This study involves interpretation of variants in research participants for the purpose of population health screening. Participant phenotype was not available at the time of variant classification. Additional details can be found in publication PMID: 35346344, PMCID: PMC8962531

Ambry Genetics
Classification: Likely benign for Hereditary cancer-predisposing syndrome. Last evaluated: 2018-06-04. Review status: criteria provided, single submitter. Criteria: Ambry Variant Classification Scheme 2023. Collection method: clinical testing. Allele origin: germline.

NM_000455.5(STK11):c.159C>T (p.Asp53=)

Gene: STK11 (serine/threonine kinase 11; plus strand). Cytogenetic location: 19p13.3.
Variant type: single nucleotide variant.
Coding change: c.159C>T on transcript NM_000455.5 (MANE Select); coding-DNA position 159, C replaced by T.
Protein change: p.Asp53=; no amino-acid change (aspartic acid 53 retained).
Molecular consequence: synonymous variant.
Genome position (GRCh38, 1-based): chr19:1,207,072, C>T. VCF-style: chr19-1207072-C-T. GRCh37 (hg19) VCF-style: chr19-1207071-C-T.
Identifiers: ClinVar variation 819641 (VCV000819641.15), dbSNP rs876660426, ClinGen allele CA504706189.